The following is an entry in ClinVar:

NM_000302.4(PLOD1):c.1387C>T (p.Arg463Trp)

Gene: PLOD1 (procollagen-lysine,2-oxoglutarate 5-dioxygenase 1; plus strand). Cytogenetic location: 1p36.22.
Variant type: single nucleotide variant.
Coding change: c.1387C>T on transcript NM_000302.4 (MANE Select); coding-DNA position 1387, C replaced by T.
Protein change: p.Arg463Trp; replaces arginine 463 with tryptophan.
Molecular consequence: missense variant.
Genome position (GRCh38, 1-based): chr1:11,964,702, C>T. VCF-style: chr1-11964702-C-T. GRCh37 (hg19) VCF-style: chr1-12024759-C-T.
Other names: p.Arg463Trp; c.1528C>T, p.Arg510Trp (NM_001316320.2); short protein forms R463W, R510W.
Identifiers: ClinVar variation 449874 (VCV000449874.16), dbSNP rs745946511, ClinGen allele CA598381.

ClinVar aggregate classification (germline): Uncertain significance. Review status: criteria provided, multiple submitters, no conflicts (2 of 4 stars). 5 submissions from 5 submitters: Uncertain significance (5). Last evaluated 2025-12-24.

Conditions:
Familial thoracic aortic aneurysm and aortic dissection (TAAD). Also called: Thoracic aortic aneurysms and dissections. Identifiers: Orphanet 91387, MedGen C4707243, MONDO:0019625.
Ehlers-Danlos syndrome, kyphoscoliotic type 1 (EDSKSCL1). Also called: PLOD1-Related Kyphoscoliotic Ehlers-Danlos Syndrome; EHLERS-DANLOS SYNDROME, TYPE VIA; EHLERS-DANLOS SYNDROME, OCULAR-SCOLIOTIC TYPE; Ehlers-Danlos syndrome, hydroxylysine-deficient. Identifiers: Orphanet 1900, MedGen C0268342, MONDO:0016002, OMIM 225400. Disease mechanism: loss of function.

Allele frequency attached by ClinVar (database versions not stated): ExAC 0.00001; gnomAD exomes 0.00002 and 0.00005; gnomAD 0.00004 and 0.00005; TOPMed 0.00006.
gnomAD v4.1: 73 of 1,613,038 alleles (0.0045%); highest among the groups gnomAD compares: African/African-American, 0.0093%; no homozygotes.

Submissions (5):

Women's Health and Genetics/Laboratory Corporation of America, LabCorp
Classification: Uncertain significance. Last evaluated: 2025-12-24. Review status: criteria provided, single submitter. Criteria: LabCorp Variant Classification Summary - May 2015. Collection method: clinical testing. Allele origin: germline.
Comment: Variant summary: PLOD1 c.1387C>T (p.Arg463Trp) results in a non-conservative amino acid change in the encoded protein sequence. Algorithms developed to predict the effect of missense changes on protein structure and function all suggest that this variant is likely to be disruptive. The variant allele was found at a frequency of 2e-05 in 251236 control chromosomes. The available data on variant occurrences in the general population are insufficient to allow any conclusion about variant significance. To our knowledge, no occurrence of c.1387C>T in individuals affected with PLOD1-related conditions and no experimental evidence demonstrating its impact on protein function have been reported. ClinVar contains an entry for this variant (Variation ID: 449874). Based on the evidence outlined above, the variant was classified as uncertain significance.

Labcorp Genetics (formerly Invitae), Labcorp
Classification: Uncertain significance for Ehlers-Danlos syndrome, kyphoscoliotic type 1. Last evaluated: 2025-12-10. Review status: criteria provided, single submitter. Criteria: Invitae Variant Classification Sherloc (09022015). Collection method: clinical testing. Allele origin: germline.
Comment: This sequence change replaces arginine, which is basic and polar, with tryptophan, which is neutral and slightly polar, at codon 463 of the PLOD1 protein (p.Arg463Trp). This variant is present in population databases (rs745946511, gnomAD 0.01%). This variant has not been reported in the literature in individuals affected with PLOD1-related conditions. ClinVar contains an entry for this variant (Variation ID: 449874). Invitae Evidence Modeling of protein sequence and biophysical properties (such as structural, functional, and spatial information, amino acid conservation, physicochemical variation, residue mobility, and thermodynamic stability) has been performed for this missense variant. However, the output from this modeling did not meet the statistical confidence thresholds required to predict the impact of this variant on PLOD1 protein function. In summary, the available evidence is currently insufficient to determine the role of this variant in disease. Therefore, it has been classified as a Variant of Uncertain Significance.

Mayo Clinic Laboratories, Mayo Clinic
Classification: Uncertain significance. Last evaluated: 2025-09-11. Review status: criteria provided, single submitter. Criteria: ACMG Guidelines, 2015. Collection method: clinical testing. Allele origin: germline. Observed: 1 variant allele.
Comment: PP3, PM2_supporting

Ambry Genetics
Classification: Uncertain significance for Familial thoracic aortic aneurysm and aortic dissection. Last evaluated: 2023-08-07. Review status: criteria provided, single submitter. Criteria: Ambry Variant Classification Scheme 2023. Collection method: clinical testing. Allele origin: germline.
Comment: The p.R463W variant (also known as c.1387C>T), located in coding exon 13 of the PLOD1 gene, results from a C to T substitution at nucleotide position 1387. The arginine at codon 463 is replaced by tryptophan, an amino acid with dissimilar properties. This amino acid position is conserved. In addition, this alteration is predicted to be deleterious by in silico analysis. Since supporting evidence is limited at this time, the clinical significance of this alteration remains unclear.

GeneDx
Classification: Uncertain significance. Last evaluated: 2021-06-02. Review status: criteria provided, single submitter. Criteria: GeneDx Variant Classification Process June 2021. Collection method: clinical testing. Allele origin: germline. Affected: yes.
Comment: Not observed at significant frequency in large population cohorts (Lek et al., 2016); In silico analysis supports that this missense variant has a deleterious effect on protein structure/function; Has not been previously published as pathogenic or benign to our knowledge; This variant is associated with the following publications: (PMID: 26582918, 27535533)